The following is an entry in ClinVar:

ClinVar aggregate classification (germline): Uncertain significance. Review status: criteria provided, multiple submitters, no conflicts (2 of 4 stars). 2 submissions from 2 submitters: Uncertain significance (2). Last evaluated 2024-08-06.

Conditions:
Ehlers-Danlos syndrome, type 4 (EDSVASC). Also called: Ehlers-Danlos syndrome vascular type; Ehlers Danlos syndrome, ecchymotic type; Ehlers Danlos syndrome, arterial type; Ehlers Danlos syndrome, Sack-Barabas type; Ehlers-Danlos Syndrome Type IV. Identifiers: Orphanet 286, MedGen C0268338, MONDO:0017314, OMIM 130050.

Submissions (2):

All of Us Research Program, National Institutes of Health
Classification: Uncertain significance for Ehlers-Danlos syndrome, type 4. Last evaluated: 2024-08-06. Review status: criteria provided, single submitter. Criteria: ACMG Guidelines, 2015. Collection method: clinical testing. Allele origin: germline. Inheritance: Autosomal dominant inheritance. Observed: 1 variant allele, 1 heterozygote.
Comment: This study involves interpretation of variants in research participants for the purpose of population health screening. Participant phenotype was not available at the time of variant classification. Additional details can be found in publication PMID: 35346344, PMCID: PMC8962531

Labcorp Genetics (formerly Invitae), Labcorp
Classification: Uncertain significance for Ehlers-Danlos syndrome, type 4. Last evaluated: 2021-10-05. Review status: criteria provided, single submitter. Criteria: Invitae Variant Classification Sherloc (09022015). Collection method: clinical testing. Allele origin: germline.
Comment: This sequence change replaces serine with proline at codon 358 of the COL3A1 protein (p.Ser358Pro). The serine residue is moderately conserved and there is a moderate physicochemical difference between serine and proline. This variant is not present in population databases (ExAC no frequency). This variant has not been reported in the literature in individuals affected with COL3A1-related conditions. Advanced modeling of protein sequence and biophysical properties (such as structural, functional, and spatial information, amino acid conservation, physicochemical variation, residue mobility, and thermodynamic stability) performed at Invitae indicates that this missense variant is not expected to disrupt COL3A1 protein function. In summary, the available evidence is currently insufficient to determine the role of this variant in disease. Therefore, it has been classified as a Variant of Uncertain Significance.

NM_000090.4(COL3A1):c.1072T>C (p.Ser358Pro)

Gene: COL3A1 (collagen type III alpha 1 chain; plus strand). Cytogenetic location: 2q32.2.
Variant type: single nucleotide variant.
Coding change: c.1072T>C on transcript NM_000090.4 (MANE Select); coding-DNA position 1072, T replaced by C.
Protein change: p.Ser358Pro; replaces serine 358 with proline.
Molecular consequence: missense variant.
Genome position (GRCh38, 1-based): chr2:188,993,382, T>C. VCF-style: chr2-188993382-T-C. GRCh37 (hg19) VCF-style: chr2-189858108-T-C.
Other names: short protein forms S358P.
Identifiers: ClinVar variation 1971275 (VCV001971275.3), dbSNP rs2469125986, ClinGen allele CA349850823.